The following is an entry in ClinVar:

ClinVar aggregate classification (germline): Likely pathogenic. Review status: criteria provided, multiple submitters, no conflicts (2 of 4 stars). 2 submissions from 2 submitters: Likely pathogenic (2). Last evaluated 2024-10-15.

Conditions:
Short-rib thoracic dysplasia 10 with or without polydactyly (SRTD10). Identifiers: Orphanet 474, MedGen C3810175, MONDO:0014284, OMIM 615630.
Retinitis pigmentosa 71 (RP71). Identifiers: Orphanet 791, MedGen C4225342, MONDO:0014618, OMIM 616394.

Allele frequency attached by ClinVar (database versions not stated): gnomAD exomes below 0.00001; ExAC 0.00001; gnomAD 0.00001; TOPMed 0.00001.
gnomAD v4.1: 3 of 1,614,042 alleles (0.00019%); highest among the groups gnomAD compares: African/African-American, 0.004%; no homozygotes.

Submissions (2):

Labcorp Genetics (formerly Invitae), Labcorp
Classification: Likely pathogenic for Retinitis pigmentosa 71; Short-rib thoracic dysplasia 10 with or without polydactyly. Last evaluated: 2024-10-15. Review status: criteria provided, single submitter. Criteria: Invitae Variant Classification Sherloc (09022015). Collection method: clinical testing. Allele origin: germline.
Comment: This sequence change affects a donor splice site in intron 28 of the IFT172 gene. It is expected to disrupt RNA splicing. Variants that disrupt the donor or acceptor splice site typically lead to a loss of protein function (PMID: 16199547), and loss-of-function variants in IFT172 are known to be pathogenic (PMID: 24140113). This variant is present in population databases (rs759612790, gnomAD 0.007%). This variant has not been reported in the literature in individuals affected with IFT172-related conditions. ClinVar contains an entry for this variant (Variation ID: 2125191). Algorithms developed to predict the effect of sequence changes on RNA splicing suggest that this variant may disrupt the consensus splice site. In summary, the currently available evidence indicates that the variant is pathogenic, but additional data are needed to prove that conclusively. Therefore, this variant has been classified as Likely Pathogenic.

GeneDx
Classification: Likely pathogenic. Last evaluated: 2023-12-12. Review status: criteria provided, single submitter. Criteria: GeneDx Variant Classification Process June 2021. Collection method: clinical testing. Allele origin: germline. Affected: yes.
Comment: Canonical splice site variant predicted to result in a null allele in a gene for which loss of function is a known mechanism of disease; Not observed at significant frequency in large population cohorts (gnomAD); Reported in a database of variants associated with autosomal recessive inherited retinal disease, but no patient-specific information was provided (PMID: 31964843); This variant is associated with the following publications: (PMID: 31964843)

Literature cited by the submitters: PubMed 16199547 (cited by Labcorp Genetics (formerly Invitae), Labcorp); PubMed 24140113 (cited by Labcorp Genetics (formerly Invitae), Labcorp).

NM_015662.3(IFT172):c.3111+1G>T

Gene: IFT172 (intraflagellar transport 172; minus strand). Cytogenetic location: 2p23.3.
Variant type: single nucleotide variant.
Coding change: c.3111+1G>T on transcript NM_015662.3 (MANE Select); the canonical splice donor site of the intron after coding-DNA position 3111, G replaced by T.
Molecular consequence: splice donor variant.
Genome position (GRCh38, 1-based): chr2:27,457,840, C>A on the plus strand (G>T on the coding strand, the complement: IFT172 is on the minus strand). VCF-style: chr2-27457840-C-A. GRCh37 (hg19) VCF-style: chr2-27680707-C-A.
Other names: c.3045+1G>T (NM_001410739.1).
Identifiers: ClinVar variation 2125191 (VCV002125191.5), dbSNP rs759612790, ClinGen allele CA1580086.